The following is an entry in ClinVar:

ClinVar aggregate classification (germline): Uncertain significance. Review status: criteria provided, multiple submitters, no conflicts (2 of 4 stars). 2 submissions from 2 submitters: Uncertain significance (2). Last evaluated 2025-07-14.

Conditions:
Malignant hyperthermia, susceptibility to, 1 (MHS1). Also called: Anesthesia related hyperthermia; Malignant hyperpyrexia; Fulminating hyperpyrexia; Pharmacogenic myopathy; RYR1-Related Malignant Hyperthermia Susceptibility; Malignant hyperthermia suceptibility 1. Identifiers: Orphanet 423, MedGen C2930980, MONDO:0007783, OMIM 145600.
RYR1-related disorder. Also called: RYR1-related disorders; RYR1-related condition. Identifiers: MedGen CN239331.

Allele frequency attached by ClinVar (database versions not stated): TOPMed 0.00001.
gnomAD v4.1: 2 of 1,613,916 alleles (0.00012%); highest among the groups gnomAD compares: South Asian, 0.0011%; no homozygotes.

Submissions (2):

Color Diagnostics, LLC DBA Color Health
Classification: Uncertain significance for Malignant hyperthermia, susceptibility to, 1. Last evaluated: 2025-07-14. Review status: criteria provided, single submitter. Criteria: ACMG Guidelines, 2015. Collection method: clinical testing. Allele origin: germline.
Comment: This missense variant replaces threonine with asparagine at codon 655 of the RYR1 protein. Computational prediction suggests that this variant may not impact protein structure and function. To our knowledge, functional studies have not been reported for this variant. This variant has not been reported in individuals affected with RYR1-related disorders in the literature. This variant has been identified in 1/251122 chromosomes in the general population by the Genome Aggregation Database (gnomAD). The available evidence is insufficient to determine the role of this variant in disease conclusively. Therefore, this variant is classified as a Variant of Uncertain Significance.

Labcorp Genetics (formerly Invitae), Labcorp
Classification: Uncertain significance for RYR1-related disorder. Last evaluated: 2022-05-03. Review status: criteria provided, single submitter. Criteria: Invitae Variant Classification Sherloc (09022015). Collection method: clinical testing. Allele origin: germline.
Comment: This sequence change replaces threonine, which is neutral and polar, with asparagine, which is neutral and polar, at codon 655 of the RYR1 protein (p.Thr655Asn). This variant is present in population databases (no rsID available, gnomAD 0.003%). This variant has not been reported in the literature in individuals affected with RYR1-related conditions. Advanced modeling of protein sequence and biophysical properties (such as structural, functional, and spatial information, amino acid conservation, physicochemical variation, residue mobility, and thermodynamic stability) performed at Invitae indicates that this missense variant is not expected to disrupt RYR1 protein function. In summary, the available evidence is currently insufficient to determine the role of this variant in disease. Therefore, it has been classified as a Variant of Uncertain Significance.

NM_000540.3(RYR1):c.1964C>A (p.Thr655Asn)

Gene: RYR1 (ryanodine receptor 1; plus strand). Cytogenetic location: 19q13.2.
Variant type: single nucleotide variant.
Coding change: c.1964C>A on transcript NM_000540.3 (MANE Select); coding-DNA position 1964, C replaced by A.
Protein change: p.Thr655Asn; replaces threonine 655 with asparagine.
Molecular consequence: missense variant.
Genome position (GRCh38, 1-based): chr19:38,458,089, C>A. VCF-style: chr19-38458089-C-A. GRCh37 (hg19) VCF-style: chr19-38948729-C-A.
Other names: c.1964C>A, p.Thr655Asn (NM_001042723.2); short protein forms T655N.
Identifiers: ClinVar variation 2150042 (VCV002150042.4), dbSNP rs1393077327, ClinGen allele CA405695404.